The following is an entry in ClinVar:

NM_144599.5(NIPA1):c.774G>T (p.Ser258=)

Gene: NIPA1 (NIPA magnesium transporter 1; plus strand). Cytogenetic location: 15q11.2.
Variant type: single nucleotide variant.
Coding change: c.774G>T on transcript NM_144599.5 (MANE Select); coding-DNA position 774, G replaced by T.
Protein change: p.Ser258=; no amino-acid change (serine 258 retained).
Molecular consequence: synonymous variant.
Genome position (GRCh38, 1-based): chr15:22,824,023, G>T. VCF-style: chr15-22824023-G-T. GRCh37 (hg19) VCF-style: chr15-23049045-C-A.
Other names: c.549G>T, p.Ser183= (NM_001142275.1).
Identifiers: ClinVar variation 700049 (VCV000700049.33), dbSNP rs371993191, ClinGen allele CA7426000.
Genomic context (GRCh38, chr15:22,824,023, plus strand): 5'-CTGCAGCATCATCGTCCAGTTCAGGTACATCAACAAGGCGCTGGAGTGCTTCGACTCCTC[G>T]GTGTTCGGGGCCATCTACTACGTCGTGTTTACCACGCTGGTCCTGCTGGCCTCAGCCATC-3'
Protein context (NP_653200.2, residues 248-268): INKALECFDS[Ser258=]VFGAIYYVVF

ClinVar aggregate classification (germline): Likely benign. Review status: criteria provided, multiple submitters, no conflicts (2 of 4 stars). 3 submissions from 3 submitters: Likely benign (3). Last evaluated 2026-02-01.

Conditions:
Hereditary spastic paraplegia 6 (SPG6). Also called: SPASTIC PARAPLEGIA 6, AUTOSOMAL DOMINANT. Identifiers: Orphanet 100988, MedGen C1838192, MONDO:0010878, OMIM 600363.

Allele frequency attached by ClinVar (database versions not stated): ESP Exome Variant Server 0.00008; TOPMed 0.00010.
gnomAD v4.1: 262 of 1,613,972 alleles (0.016%); highest among the groups gnomAD compares: Non-Finnish European, 0.02%; no homozygotes.

Submissions (3):

CeGaT Center for Human Genetics Tuebingen
Classification: Likely benign. Last evaluated: 2026-02-01. Review status: criteria provided, single submitter. Criteria: CeGaT Center For Human Genetics Tuebingen Variant Classification Criteria Version 2. Collection method: clinical testing. Allele origin: germline. Affected: yes. Observed: 2 variant alleles.
Comment: NIPA1: BP4, BP7

Blueprint Genetics
Classification: Likely benign. Last evaluated: 2024-11-01. Review status: criteria provided, single submitter. Criteria: ACMG Guidelines, 2015. Collection method: clinical testing. Allele origin: germline.

Labcorp Genetics (formerly Invitae), Labcorp
Classification: Likely benign for Hereditary spastic paraplegia 6. Last evaluated: 2023-12-27. Review status: criteria provided, single submitter. Criteria: Invitae Variant Classification Sherloc (09022015). Collection method: clinical testing. Allele origin: germline.